The following is an entry in ClinVar:

NM_002764.4(PRPS1):c.587G>A (p.Arg196Gln)

Gene: PRPS1 (phosphoribosyl pyrophosphate synthetase 1; plus strand). Cytogenetic location: Xq22.3.
Variant type: single nucleotide variant.
Coding change: c.587G>A on transcript NM_002764.4 (MANE Select); coding-DNA position 587, G replaced by A.
Protein change: p.Arg196Gln; replaces arginine 196 with glutamine.
Molecular consequence: missense variant. On other transcripts: 5 prime UTR variant (1).
Genome position (GRCh38, 1-based): chrX:107,645,233, G>A. VCF-style: chrX-107645233-G-A. GRCh37 (hg19) VCF-style: chrX-106888463-G-A.
Other names: c.-26G>A (NM_001204402.2); short protein forms R196Q.
Identifiers: ClinVar variation 1364410 (VCV001364410.10), dbSNP rs2147684782, ClinGen allele CA413811832.

ClinVar aggregate classification (germline): Conflicting classifications of pathogenicity. Review status: criteria provided, conflicting classifications (1 of 4 stars). 2 submissions from 2 submitters: Likely pathogenic (1); Uncertain significance (1). Last evaluated 2025-10-06.

Conditions:
PRPS1-related disorder. Also called: PRPS1-related condition.
Charcot-Marie-Tooth Neuropathy X. Identifiers: MedGen CN118851.

Submissions (2):

Labcorp Genetics (formerly Invitae), Labcorp
Classification: Uncertain significance for Charcot-Marie-Tooth Neuropathy X. Last evaluated: 2025-10-06. Review status: criteria provided, single submitter. Criteria: Invitae Variant Classification Sherloc (09022015). Collection method: clinical testing. Allele origin: germline.
Comment: This sequence change replaces arginine, which is basic and polar, with glutamine, which is neutral and polar, at codon 196 of the PRPS1 protein (p.Arg196Gln). This variant is not present in population databases (gnomAD no frequency). This variant has not been reported in the literature in individuals affected with PRPS1-related conditions. ClinVar contains an entry for this variant (Variation ID: 1364410). Invitae Evidence Modeling of protein sequence and biophysical properties (such as structural, functional, and spatial information, amino acid conservation, physicochemical variation, residue mobility, and thermodynamic stability) indicates that this missense variant is not expected to disrupt PRPS1 protein function with a negative predictive value of 80%. This variant disrupts the p.Arg196 amino acid residue in PRPS1. Other variant(s) that disrupt this residue have been determined to be pathogenic (PMID: 24961627, 28967191, 32781272; internal data). This suggests that this residue is clinically significant, and that variants that disrupt this residue are likely to be disease-causing. In summary, the available evidence is currently insufficient to determine the role of this variant in disease. Therefore, it has been classified as a Variant of Uncertain Significance.

Blueprint Genetics
Classification: Likely pathogenic for PRPS1-related disorders. Last evaluated: 2019-09-02. Review status: criteria provided, single submitter. Criteria: ACMG Guidelines, 2015. Collection method: clinical testing. Allele origin: germline. Affected: yes. Observed: 2 variant alleles.

Literature cited by the submitters: PubMed 24961627 (cited by Labcorp Genetics (formerly Invitae), Labcorp); PubMed 28967191 (cited by Labcorp Genetics (formerly Invitae), Labcorp); PubMed 32781272 (cited by Labcorp Genetics (formerly Invitae), Labcorp).